The following is an entry in ClinVar:

ClinVar aggregate classification (germline): Uncertain significance (1 of 4 stars; one submission).

Allele frequency attached by ClinVar (database versions not stated): gnomAD exomes below 0.00001.
gnomAD v4.1: 1 of 1,527,450 alleles (0.000065%); highest among the groups gnomAD compares: Non-Finnish European, 0.000088%; no homozygotes.

Submission:

Labcorp Genetics (formerly Invitae), Labcorp
Classification: Uncertain significance. Last evaluated: 2023-01-28. Review status: criteria provided, single submitter. Criteria: Invitae Variant Classification Sherloc (09022015). Collection method: clinical testing. Allele origin: germline.
Comment: This sequence change replaces proline, which is neutral and non-polar, with serine, which is neutral and polar, at codon 1618 of the ARID1B protein (p.Pro1618Ser). This variant is not present in population databases (gnomAD no frequency). This variant has not been reported in the literature in individuals affected with ARID1B-related conditions. Advanced modeling of protein sequence and biophysical properties (such as structural, functional, and spatial information, amino acid conservation, physicochemical variation, residue mobility, and thermodynamic stability) has been performed at Invitae for this missense variant, however the output from this modeling did not meet the statistical confidence thresholds required to predict the impact of this variant on ARID1B protein function. In summary, the available evidence is currently insufficient to determine the role of this variant in disease. Therefore, it has been classified as a Variant of Uncertain Significance.

NM_001374828.1(ARID1B):c.5221C>T (p.Pro1741Ser)

Gene: ARID1B (AT-rich interaction domain 1B; plus strand). Cytogenetic location: 6q25.3.
Variant type: single nucleotide variant.
Coding change: c.5221C>T on transcript NM_001374828.1 (MANE Select); coding-DNA position 5221, C replaced by T.
Protein change: p.Pro1741Ser; replaces proline 1741 with serine.
Molecular consequence: missense variant.
Genome position (GRCh38, 1-based): chr6:157,201,446, C>T. VCF-style: chr6-157201446-C-T. GRCh37 (hg19) VCF-style: chr6-157522580-C-T.
Other names: c.4972C>T, p.Pro1658Ser (NM_001346813.1); c.2722C>T, p.Pro908Ser (NM_001363725.2); c.5101C>T, p.Pro1701Ser (NM_001371656.1, NM_001374820.1); c.5062C>T, p.Pro1688Ser (NM_017519.3); c.4852C>T, p.Pro1618Ser (NM_020732.3); c.4639C>T, p.Pro1547Ser (NM_175863.2); short protein forms P1547S, P1658S, P1701S, P1688S, P908S, P1618S, P1741S.
Identifiers: ClinVar variation 2775575 (VCV002775575.3), dbSNP rs2128377081, ClinGen allele CA366243117.